The following is an entry in ClinVar:

NM_000053.4(ATP7B):c.1354A>T (p.Thr452Ser)

Gene: ATP7B (ATPase copper transporting beta; minus strand). Cytogenetic location: 13q14.3.
Variant type: single nucleotide variant.
Coding change: c.1354A>T on transcript NM_000053.4 (MANE Select); coding-DNA position 1354, A replaced by T.
Protein change: p.Thr452Ser; replaces threonine 452 with serine.
Molecular consequence: missense variant.
Genome position (GRCh38, 1-based): chr13:51,970,681, T>A on the plus strand (A>T on the coding strand, the complement: ATP7B is on the minus strand). VCF-style: chr13-51970681-T-A. GRCh37 (hg19) VCF-style: chr13-52544817-T-A.
Other names: c.1354A>T, p.Thr452Ser (NM_001005918.3, NM_001330578.2, NM_001330579.2 and 28 more transcripts); c.1021A>T, p.Thr341Ser (NM_001243182.2); c.1258A>T, p.Thr420Ser (NM_001406517.1, NM_001406530.1, NM_001406536.1 and 3 more transcripts); c.925A>T, p.Thr309Ser (NM_001406539.1); short protein forms T309S, T341S, T452S, T420S.
Identifiers: ClinVar variation 2096214 (VCV002096214.2), dbSNP rs755563101, ClinGen allele CA6989367.
Genomic context (GRCh38, chr13:51,970,681, plus strand): 5'-GGGCATGGTTTGCAGGGAGCCTCCCAGTGTGGGGAGCCACTTCCTGCACAGATGTAGGTG[T>A]ACCATCTGTAGTTTGCACCATGGAATTCCCAGCACTGTGGTTTCCAAGAGGGTTAGTAGA-3'
Protein context (NP_000044.2, residues 442-462): GNSMVQTTDG[Thr452Ser]PTSVQEVAPH

ClinVar aggregate classification (germline): Uncertain significance. Review status: criteria provided, multiple submitters, no conflicts (2 of 4 stars). 2 submissions from 2 submitters: Uncertain significance (2). Last evaluated 2025-09-05.

Conditions:
Wilson disease (WND). Also called: Wilson's disease. Identifiers: Orphanet 905, MedGen C0019202, MONDO:0010200, OMIM 277900. Disease mechanism: loss of function.

Allele frequency attached by ClinVar (database versions not stated): ExAC 0.00002.
gnomAD v4.1: 9 of 1,613,966 alleles (0.00056%); highest among the groups gnomAD compares: South Asian, 0.0099%; no homozygotes.

Submissions (2):

Color Diagnostics, LLC DBA Color Health
Classification: Uncertain significance for Wilson disease. Last evaluated: 2025-09-05. Review status: criteria provided, single submitter. Criteria: ACMG Guidelines, 2015. Collection method: clinical testing. Allele origin: germline.
Comment: This missense variant replaces threonine with serine at codon 452 of the ATP7B protein. Computational prediction suggests that this variant may not impact protein structure and function. To our knowledge, functional studies have not been reported for this variant. This variant has not been reported in individuals affected with ATP7B-related disorders in the literature. This variant has been identified in 5/249152 chromosomes in the general population by the Genome Aggregation Database (gnomAD). The available evidence is insufficient to determine the role of this variant in disease conclusively. Therefore, this variant is classified as a Variant of Uncertain Significance.

Labcorp Genetics (formerly Invitae), Labcorp
Classification: Uncertain significance for Wilson disease. Last evaluated: 2022-05-30. Review status: criteria provided, single submitter. Criteria: Invitae Variant Classification Sherloc (09022015). Collection method: clinical testing. Allele origin: germline.
Comment: This sequence change replaces threonine, which is neutral and polar, with serine, which is neutral and polar, at codon 452 of the ATP7B protein (p.Thr452Ser). This variant is present in population databases (rs755563101, gnomAD 0.02%). This variant has not been reported in the literature in individuals affected with ATP7B-related conditions. Advanced modeling of protein sequence and biophysical properties (such as structural, functional, and spatial information, amino acid conservation, physicochemical variation, residue mobility, and thermodynamic stability) performed at Invitae indicates that this missense variant is not expected to disrupt ATP7B protein function. In summary, the available evidence is currently insufficient to determine the role of this variant in disease. Therefore, it has been classified as a Variant of Uncertain Significance.